The following is an entry in ClinVar:

ClinVar aggregate classification (germline): Uncertain significance. Review status: criteria provided, multiple submitters, no conflicts (2 of 4 stars). 2 submissions from 2 submitters: Uncertain significance (2). Last evaluated 2025-07-22.

Conditions:
Long QT syndrome (LQTS). Identifiers: MedGen C0023976, MeSH D008133, MONDO:0002442. Disease mechanism: loss of function. Inheritance: Various modes of inheritance.

Allele frequency attached by ClinVar (database versions not stated): gnomAD exomes below 0.00001; gnomAD 0.00001.
gnomAD v4.1: 8 of 1,608,856 alleles (0.0005%); highest among the groups gnomAD compares: Non-Finnish European, 0.00059%; no homozygotes.

Submissions (2):

Labcorp Genetics (formerly Invitae), Labcorp
Classification: Uncertain significance for Long QT syndrome. Last evaluated: 2025-07-22. Review status: criteria provided, single submitter. Criteria: Invitae Variant Classification Sherloc (09022015). Collection method: clinical testing. Allele origin: germline.
Comment: This sequence change replaces glycine, which is neutral and non-polar, with alanine, which is neutral and non-polar, at codon 797 of the CACNA1C protein (p.Gly797Ala). This variant is present in population databases (no rsID available, gnomAD 0.0009%). This variant has not been reported in the literature in individuals affected with CACNA1C-related conditions. ClinVar contains an entry for this variant (Variation ID: 1306687). Invitae Evidence Modeling of protein sequence and biophysical properties (such as structural, functional, and spatial information, amino acid conservation, physicochemical variation, residue mobility, and thermodynamic stability) indicates that this missense variant is not expected to disrupt CACNA1C protein function with a negative predictive value of 95%. In summary, the available evidence is currently insufficient to determine the role of this variant in disease. Therefore, it has been classified as a Variant of Uncertain Significance.

GeneDx
Classification: Uncertain significance. Last evaluated: 2024-04-15. Review status: criteria provided, single submitter. Criteria: GeneDx Variant Classification Process June 2021. Collection method: clinical testing. Allele origin: germline. Affected: yes.
Comment: Not observed at significant frequency in large population cohorts (gnomAD); In silico analysis indicates that this missense variant does not alter protein structure/function; Has not been previously published as pathogenic or benign to our knowledge

NM_000719.7(CACNA1C):c.2390G>C (p.Gly797Ala)

Gene: CACNA1C (calcium voltage-gated channel subunit alpha1 C; plus strand). Cytogenetic location: 12p13.33.
Variant type: single nucleotide variant.
Coding change: c.2390G>C on transcript NM_000719.7 (MANE Select); coding-DNA position 2390, G replaced by C.
Protein change: p.Gly797Ala; replaces glycine 797 with alanine.
Molecular consequence: missense variant.
Genome position (GRCh38, 1-based): chr12:2,585,426, G>C. VCF-style: chr12-2585426-G-C. GRCh37 (hg19) VCF-style: chr12-2694592-G-C.
Other names: c.2390G>C, p.Gly797Ala (NM_001129827.2, NM_001129829.2, NM_001129830.3 and 18 more transcripts); c.2381G>C, p.Gly794Ala (NM_001129844.2); short protein forms G794A, G797A.
Identifiers: ClinVar variation 1306687 (VCV001306687.6), dbSNP rs1200916501, ClinGen allele CA383371717.